The following is an entry in ClinVar:

NM_032271.3(TRAF7):c.1510G>C (p.Asp504His)

Gene: TRAF7 (TNF receptor associated factor 7; plus strand). Cytogenetic location: 16p13.3.
Variant type: single nucleotide variant.
Coding change: c.1510G>C on transcript NM_032271.3 (MANE Select); coding-DNA position 1510, G replaced by C.
Protein change: p.Asp504His; replaces aspartic acid 504 with histidine.
Molecular consequence: missense variant.
Genome position (GRCh38, 1-based): chr16:2,175,506, G>C. VCF-style: chr16-2175506-G-C. GRCh37 (hg19) VCF-style: chr16-2225507-G-C.
Other names: short protein forms D504H.
Identifiers: ClinVar variation 828026 (VCV000828026.1), dbSNP rs1596680065, ClinGen allele CA394332752.

ClinVar aggregate classification (germline): Uncertain significance (1 of 4 stars; one submission).

Conditions:
Cardiac, facial, and digital anomalies with developmental delay. Identifiers: Orphanet 592570, MedGen C4748484, MONDO:0032572, OMIM 618164.

Submission:

HudsonAlpha Institute for Biotechnology
Classification: Uncertain significance for Cardiac, facial, and digital anomalies with developmental delay. Last evaluated: 2019-12-04. Review status: criteria provided, single submitter. Criteria: ACMG Guidelines, 2015. Collection method: research. Allele origin: unknown. Observed: 1 variant allele. Study: CSER-SouthSeq.
Comment: ACMG codes: PS2M, PM2, PP3